The following is an entry in ClinVar:

ClinVar aggregate classification (germline): Pathogenic/Likely pathogenic. Review status: criteria provided, multiple submitters, no conflicts (2 of 4 stars). 11 submissions from 11 submitters: Pathogenic (6); Likely pathogenic (2). 3 of the submissions do not count toward it. Last evaluated 2026-08-24.

Conditions:
Joubert syndrome. Also called: JOUBERT-BOLTSHAUSER SYNDROME; Familial aplasia of the vermis. Identifiers: Orphanet 475, MedGen C5979921, MONDO:0018772.
AHI1-related disorder. Also called: AHI1-related condition.
Joubert syndrome and related disorders. Identifiers: Orphanet 140874, MedGen C5679612, MONDO:0015369.
Retinitis pigmentosa (RP). Identifiers: Orphanet 791, MedGen C0035334, MeSH D012174, MONDO:0019200, OMIM 268000. Inheritance: Autosomal dominant, autosomal recessive and X linked inheritance.
Joubert syndrome 3 (JBTS3). Also called: AHI1-related Ciliopathy. Identifiers: Orphanet 220493, MedGen C1837713, MONDO:0012078, OMIM 608629.

Allele frequency attached by ClinVar (database versions not stated): gnomAD exomes 0.00002 and 0.00006; gnomAD 0.00005; TOPMed 0.00006; ExAC 0.00008.
gnomAD v4.1: 39 of 1,605,278 alleles (0.0024%); highest among the groups gnomAD compares: Middle Eastern, 0.016%; no homozygotes.

Submissions (11):

PreventionGenetics, part of Exact Sciences
Classification: Pathogenic for AHI1-related condition. Last evaluated: 2026-08-24. Review status: criteria provided, single submitter. Criteria: ACMG Guidelines, 2015. Collection method: clinical testing. Allele origin: germline.
Comment: The AHI1 c.3032C>G variant is predicted to result in premature protein termination (p.Ser1011*). This variant has been reported in cohort studies of retinal disease (Table S2, Sharon et al. 2020. PubMed ID: 31456290; Sahin et al. 2024. PubMed ID: 38465142). This variant is present in 0.015% of alleles in individuals of Latino descent in gnomAD. Nonsense variants in AHI1 are an established mechanism of disease. This variant is interpreted as pathogenic.

Labcorp Genetics (formerly Invitae), Labcorp
Classification: Pathogenic for Joubert syndrome. Last evaluated: 2025-11-11. Review status: criteria provided, single submitter. Criteria: Invitae Variant Classification Sherloc (09022015). Collection method: clinical testing. Allele origin: germline.
Comment: This sequence change creates a premature translational stop signal (p.Ser1011*) in the AHI1 gene. It is expected to result in an absent or disrupted protein product. Loss-of-function variants in AHI1 are known to be pathogenic (PMID: 15322546, 16453322, 28442542, 29186038). This variant is present in population databases (rs777215595, gnomAD 0.02%). This variant has not been reported in the literature in individuals affected with AHI1-related conditions. ClinVar contains an entry for this variant (Variation ID: 624266). For these reasons, this variant has been classified as Pathogenic.

Blueprint Genetics
Classification: Pathogenic for AHI1-related disorders. Last evaluated: 2024-09-12. Review status: criteria provided, single submitter. Criteria: ACMG Guidelines, 2015. Collection method: clinical testing. Allele origin: germline. Affected: yes. Observed: 5 variant alleles.

Women's Health and Genetics/Laboratory Corporation of America, LabCorp
Classification: Pathogenic for Joubert syndrome and related disorders. Last evaluated: 2024-07-31. Review status: criteria provided, single submitter. Criteria: LabCorp Variant Classification Summary - May 2015. Collection method: clinical testing. Allele origin: germline.
Comment: Variant summary: AHI1 c.3032C>G (p.Ser1011X) results in a premature termination codon, predicted to cause a truncation of the encoded protein or absence of the protein due to nonsense mediated decay, which are commonly known mechanisms for disease. The variant allele was found at a frequency of 6.4e-05 in 235994 control chromosomes. This frequency is not significantly higher than estimated for a pathogenic variant in AHI1 causing Joubert Syndrome And Related Disorders (6.4e-05 vs 0.0013), allowing no conclusion about variant significance. c.3032C>G has been reported in the literature in at-least one individual affected with inherited retinal disease (example, Sharon_2020). These data do not allow any conclusion about variant significance. To our knowledge, no experimental evidence demonstrating an impact on protein function has been reported. The following publication has been ascertained in the context of this evaluation (PMID: 31456290). ClinVar contains an entry for this variant (Variation ID: 624266). Based on the evidence outlined above, the variant was classified as pathogenic.

Fulgent Genetics
Classification: Pathogenic for Joubert syndrome 3. Last evaluated: 2024-06-20. Review status: criteria provided, single submitter. Criteria: ACMG Guidelines, 2015. Collection method: clinical testing. Allele origin: germline.

GeneDx
Classification: Pathogenic. Last evaluated: 2022-11-04. Review status: criteria provided, single submitter. Criteria: GeneDx Variant Classification Process June 2021. Collection method: clinical testing. Allele origin: germline. Affected: yes.
Comment: Nonsense variant predicted to result in protein truncation or nonsense mediated decay in a gene for which loss of function is a known mechanism of disease; Not observed at significant frequency in large population cohorts (gnomAD); This variant is associated with the following publications: (PMID: 31456290, 32901921)

Revvity Omics, Revvity
Classification: Likely pathogenic for Joubert syndrome 3. Last evaluated: 2021-08-04. Review status: criteria provided, single submitter. Criteria: ACMG Guidelines, 2015. Collection method: clinical testing. Allele origin: germline.

CeGaT Center for Human Genetics Tuebingen
Classification: Likely pathogenic. Last evaluated: 2019-12-01. Review status: criteria provided, single submitter. Criteria: CeGaT Center For Human Genetics Tuebingen Variant Classification Criteria Version 2. Collection method: clinical testing. Allele origin: germline. Affected: yes. Observed: 2 variant alleles.

Sharon lab, Hadassah-Hebrew University Medical Center
Classification: Pathogenic for Retinitis pigmentosa. Last evaluated: 2019-06-23. Review status: no assertion criteria provided. Collection method: research. Allele origin: inherited. Affected: yes. Not counted in ClinVar's aggregate classification.

Clinical Genetics DNA and cytogenetics Diagnostics Lab, Erasmus MC, Erasmus Medical Center
Classification: Pathogenic. Review status: no assertion criteria provided. Collection method: clinical testing. Allele origin: germline. Affected: yes. Study: VKGL Data-share Consensus. Not counted in ClinVar's aggregate classification.

Genome Diagnostics Laboratory, Amsterdam University Medical Center
Classification: Likely pathogenic. Review status: no assertion criteria provided. Collection method: clinical testing. Allele origin: germline. Affected: yes. Study: VKGL Data-share Consensus. Not counted in ClinVar's aggregate classification.

Literature cited by the submitters: PubMed 15322546 (cited by Labcorp Genetics (formerly Invitae), Labcorp); PubMed 16453322 (cited by Labcorp Genetics (formerly Invitae), Labcorp); PubMed 28442542 (cited by Labcorp Genetics (formerly Invitae), Labcorp); PubMed 29186038 (cited by Labcorp Genetics (formerly Invitae), Labcorp); PubMed 31456290 (cited by Women's Health and Genetics/Laboratory Corporation of America, LabCorp).

NM_001134831.2(AHI1):c.3032C>G (p.Ser1011Ter)

Gene: AHI1 (Abelson helper integration site 1; minus strand). Cytogenetic location: 6q23.3.
Variant type: single nucleotide variant.
Coding change: c.3032C>G on transcript NM_001134831.2 (MANE Select); coding-DNA position 3032, C replaced by G.
Protein change: p.Ser1011Ter; replaces serine 1011 with a stop codon.
Molecular consequence: nonsense.
Genome position (GRCh38, 1-based): chr6:135,394,853, G>C on the plus strand (C>G on the coding strand, the complement: AHI1 is on the minus strand). VCF-style: chr6-135394853-G-C. GRCh37 (hg19) VCF-style: chr6-135715991-G-C.
Other names: c.3032C>G, p.Ser1011Ter (NM_001134830.2, NM_001134832.2, NM_001350503.2 and 2 more transcripts); short protein forms S1011*.
Identifiers: ClinVar variation 624266 (VCV000624266.62), dbSNP rs777215595, ClinGen allele CA4012186.